The following is an entry in ClinVar:

NM_006885.4(ZFHX3):c.10518CGG[3] (p.Gly3511_Gly3512del)

Genes: ZFHX3 (zinc finger homeobox 3; minus strand), ZFHX3-AS1 (ZFHX3 antisense RNA 1; plus strand). Cytogenetic location: 16q22.2.
Variant type: Microsatellite.
Coding change: c.10518CGG[3] on transcript NM_006885.4 (MANE Select); three copies in a row of the 3-base unit CGG starting at c.10518; the reference has five copies in a row; two copies, 6 bases deleted.
Protein change: p.Gly3511_Gly3512del.
Molecular consequence: inframe deletion.
Genome position (GRCh38, 1-based): chr16:72,787,744-72,787,749, CCGCCG deleted on the plus strand (CGGCGG on the coding strand, the reverse complement: ZFHX3 is on the minus strand); deleting any 6 consecutive bases within chr16:72,787,744-72,787,758 gives the same sequence; the position shown is the placement nearest the transcript's 3' end. VCF-style (leftmost placement, unchanged base first): chr16-72787743-ACCGCCG-A. GRCh37 (hg19) VCF-style: chr16-72821642-ACCGCCG-A.
Other names: c.7776CGG[3], p.Gly2597_Gly2598del (NM_001164766.2); c.10518CGG[3], p.Gly3511_Gly3512del (NM_001386735.1).
Identifiers: ClinVar variation 2646815 (VCV002646815.24), dbSNP rs762513291, ClinGen allele CA8162462.

ClinVar aggregate classification (germline): Benign (1 of 4 stars; one submission).

Submission:

CeGaT Center for Human Genetics Tuebingen
Classification: Benign. Last evaluated: 2022-09-01. Review status: criteria provided, single submitter. Criteria: CeGaT Center For Human Genetics Tuebingen Variant Classification Criteria Version 2. Collection method: clinical testing. Allele origin: germline. Affected: yes. Observed: 1 variant allele.
Comment: ZFHX3: BS1, BS2